The following is an entry in ClinVar:

ClinVar aggregate classification (germline): Uncertain significance. Review status: criteria provided, multiple submitters, no conflicts (2 of 4 stars). 5 submissions from 5 submitters: Uncertain significance (5). Last evaluated 2026-04-23.

Conditions:
SCN10A-related disorder. Also called: SCN10A-related condition.
Cardiovascular phenotype. Identifiers: MedGen CN230736.
Brugada syndrome. Also called: Sudden unexplained nocturnal death syndrome; Sudden unexpected nocturnal death syndrome; Sudden Unexplained Death Syndrome; Sudden Unexplained Nocturnal Death Syndrome (SUNDS). Identifiers: Orphanet 130, MedGen C1142166, MONDO:0015263.

Allele frequency attached by ClinVar (database versions not stated): ExAC 0.00003; gnomAD exomes 0.00004; TOPMed 0.00006; gnomAD 0.00007 and 0.00008; 1000 Genomes Project 30x 0.00016.
gnomAD v4.1: 82 of 1,614,146 alleles (0.0051%); highest among the groups gnomAD compares: African/African-American, 0.016%; no homozygotes.

Submissions (5):

PreventionGenetics, part of Exact Sciences
Classification: Uncertain significance for SCN10A-related condition. Last evaluated: 2026-04-23. Review status: criteria provided, single submitter. Criteria: ACMG Guidelines, 2015. Collection method: clinical testing. Allele origin: germline.
Comment: The SCN10A c.3704C>T variant is predicted to result in the amino acid substitution p.Ala1235Val. To our knowledge, this variant has not been reported in individuals with SCN10A-related disorders. This variant is reported in 0.012% of alleles in individuals of African descent in gnomAD. Although we suspect that this variant may be benign, at this time, the clinical significance of this variant is uncertain due to the absence of conclusive functional and genetic evidence.

Labcorp Genetics (formerly Invitae), Labcorp
Classification: Uncertain significance for Brugada syndrome. Last evaluated: 2025-11-11. Review status: criteria provided, single submitter. Criteria: Invitae Variant Classification Sherloc (09022015). Collection method: clinical testing. Allele origin: germline.
Comment: This sequence change replaces alanine, which is neutral and non-polar, with valine, which is neutral and non-polar, at codon 1235 of the SCN10A protein (p.Ala1235Val). This variant is present in population databases (rs765984332, gnomAD 0.01%). This variant has not been reported in the literature in individuals affected with SCN10A-related conditions. ClinVar contains an entry for this variant (Variation ID: 374656). Invitae Evidence Modeling of protein sequence and biophysical properties (such as structural, functional, and spatial information, amino acid conservation, physicochemical variation, residue mobility, and thermodynamic stability) indicates that this missense variant is not expected to disrupt SCN10A protein function with a negative predictive value of 80%. In summary, the available evidence is currently insufficient to determine the role of this variant in disease. Therefore, it has been classified as a Variant of Uncertain Significance.

GeneDx
Classification: Uncertain significance. Last evaluated: 2025-07-28. Review status: criteria provided, single submitter. Criteria: GeneDx Variant Classification Process June 2021. Collection method: clinical testing. Allele origin: germline. Affected: yes.
Comment: In silico analysis supports that this missense variant has a deleterious effect on protein structure/function; Has not been previously published as pathogenic or benign to our knowledge

Ambry Genetics
Classification: Uncertain significance for Cardiovascular phenotype. Last evaluated: 2025-07-12. Review status: criteria provided, single submitter. Criteria: Ambry Variant Classification Scheme 2023. Collection method: clinical testing. Allele origin: germline.
Comment: The p.A1235V variant (also known as c.3704C>T), located in coding exon 21 of the SCN10A gene, results from a C to T substitution at nucleotide position 3704. The alanine at codon 1235 is replaced by valine, an amino acid with similar properties. This alteration has been reported in a sudden unexplained death cohort in an individual noted to have hypertrophic cardiomyopathy and an additional alteration in TRPM4 (Rueda M et al. Front Cardiovasc Med, 2017 Nov;4:72). This amino acid position is highly conserved in available vertebrate species. In addition, the in silico prediction for this alteration is inconclusive. Since supporting evidence is limited at this time, the clinical significance of this alteration remains unclear.

CeGaT Center for Human Genetics Tuebingen
Classification: Uncertain significance. Last evaluated: 2016-06-01. Review status: criteria provided, single submitter. Criteria: CeGaT Center For Human Genetics Tuebingen Variant Classification Criteria Version 2. Collection method: clinical testing. Allele origin: germline. Affected: yes. Observed: 1 variant allele.

Literature cited by the submitters: PubMed 27727376 (cited by Ambry Genetics); PubMed 29181379 (cited by Ambry Genetics).

NM_006514.4(SCN10A):c.3704C>T (p.Ala1235Val)

Gene: SCN10A (sodium voltage-gated channel alpha subunit 10; minus strand). Cytogenetic location: 3p22.2.
Variant type: single nucleotide variant.
Coding change: c.3704C>T on transcript NM_006514.4 (MANE Select); coding-DNA position 3704, C replaced by T.
Protein change: p.Ala1235Val; replaces alanine 1235 with valine.
Molecular consequence: missense variant.
Genome position (GRCh38, 1-based): chr3:38,714,058, G>A on the plus strand (C>T on the coding strand, the complement: SCN10A is on the minus strand). VCF-style: chr3-38714058-G-A. GRCh37 (hg19) VCF-style: chr3-38755549-G-A.
Other names: c.3701C>T, p.Ala1234Val (NM_001293306.2); c.3410C>T, p.Ala1137Val (NM_001293307.2); c.3704C>T (NM_006514.3); short protein forms A1235V, A1137V, A1234V.
Identifiers: ClinVar variation 374656 (VCV000374656.55), dbSNP rs765984332, ClinGen allele CA2320143.